The following is an entry in ClinVar:

NM_000368.5(TSC1):c.532G>T (p.Val178Phe)

Gene: TSC1 (TSC complex subunit 1; minus strand). Cytogenetic location: 9q34.13.
Variant type: single nucleotide variant.
Coding change: c.532G>T on transcript NM_000368.5 (MANE Select); coding-DNA position 532, G replaced by T.
Protein change: p.Val178Phe; replaces valine 178 with phenylalanine.
Molecular consequence: missense variant. On other transcripts: 5 prime UTR variant (5), non-coding transcript variant (5).
Genome position (GRCh38, 1-based): chr9:132,921,950, C>A on the plus strand (G>T on the coding strand, the complement: TSC1 is on the minus strand). VCF-style: chr9-132921950-C-A. GRCh37 (hg19) VCF-style: chr9-135797337-C-A.
Other names: c.532G>T, p.Val178Phe (NM_001406592.1, NM_001406593.1, NM_001406594.1 and 16 more transcripts); c.379G>T, p.Val127Phe (NM_001162427.2, NM_001406612.1, NM_001406613.1 and 2 more transcripts); c.169G>T, p.Val57Phe (NM_001362177.2, NM_001406614.1, NM_001406615.1 and 10 more transcripts); c.-346G>T (NM_001406626.1, NM_001406627.1, NM_001406628.1); c.-488G>T (NM_001406629.1); c.-562G>T (NM_001406630.1); short protein forms V178F, V57F, V127F.
Identifiers: ClinVar variation 2855792 (VCV002855792.3), dbSNP rs118203395, ClinGen allele CA375372857.

ClinVar aggregate classification (germline): Uncertain significance (1 of 4 stars; one submission).

Conditions:
Tuberous sclerosis 1 (TSC1). Identifiers: Orphanet 805, MedGen C1854465, MONDO:0008612, OMIM 191100.

gnomAD v4.1: 5 of 1,614,074 alleles (0.00031%); highest among the groups gnomAD compares: East Asian, 0.011%; no homozygotes.

Submission:

Labcorp Genetics (formerly Invitae), Labcorp
Classification: Uncertain significance for Tuberous sclerosis 1. Last evaluated: 2024-04-08. Review status: criteria provided, single submitter. Criteria: Invitae Variant Classification Sherloc (09022015). Collection method: clinical testing. Allele origin: germline.
Comment: This sequence change replaces valine, which is neutral and non-polar, with phenylalanine, which is neutral and non-polar, at codon 178 of the TSC1 protein (p.Val178Phe). This variant is not present in population databases (gnomAD no frequency). This variant has not been reported in the literature in individuals affected with TSC1-related conditions. Advanced modeling of protein sequence and biophysical properties (such as structural, functional, and spatial information, amino acid conservation, physicochemical variation, residue mobility, and thermodynamic stability) performed at Invitae indicates that this missense variant is not expected to disrupt TSC1 protein function with a negative predictive value of 95%. In summary, the available evidence is currently insufficient to determine the role of this variant in disease. Therefore, it has been classified as a Variant of Uncertain Significance.